The following is an entry in ClinVar:

ClinVar aggregate classification (germline): Uncertain significance. Review status: criteria provided, multiple submitters, no conflicts (2 of 4 stars). 2 submissions from 2 submitters: Uncertain significance (2). Last evaluated 2025-09-10.

Conditions:
TTC21B-related disorder. Also called: TTC21B-related condition; TTC21B-related disorders.
Jeune thoracic dystrophy. Also called: Jeune syndrome; Infantile thoracic dystrophy; Thoracic pelvic phalangeal dystrophy; Jeune's syndrome; Chondroectodermal dysplasia-like syndrome; Short-rib thoracic dysplasia. Identifiers: Orphanet 474, MedGen C0265275, MONDO:0018770.
Nephronophthisis. Also called: Juvenile Nephronophthisis. Identifiers: Orphanet 655, MedGen C0687120, MONDO:0019005, HP:0000090.

Allele frequency attached by ClinVar (database versions not stated): gnomAD exomes below 0.00001; TOPMed 0.00001.
gnomAD v4.1: 1 of 1,613,612 alleles (0.000062%); highest among the groups gnomAD compares: Non-Finnish European, 0.000085%; no homozygotes.

Submissions (2):

PreventionGenetics, part of Exact Sciences
Classification: Uncertain significance for TTC21B-related condition. Last evaluated: 2025-09-10. Review status: criteria provided, single submitter. Criteria: ACMG Guidelines, 2015. Collection method: clinical testing. Allele origin: germline.
Comment: The TTC21B c.3217G>A variant is predicted to result in the amino acid substitution p.Glu1073Lys. To our knowledge, this variant has not been reported in the literature or in a large population database (gnomAD), indicating this variant is rare. At this time, the clinical significance of this variant is uncertain due to the absence of conclusive functional and genetic evidence.

Labcorp Genetics (formerly Invitae), Labcorp
Classification: Uncertain significance for Jeune thoracic dystrophy; Nephronophthisis. Last evaluated: 2022-04-10. Review status: criteria provided, single submitter. Criteria: Invitae Variant Classification Sherloc (09022015). Collection method: clinical testing. Allele origin: germline.
Comment: This sequence change replaces glutamic acid, which is acidic and polar, with lysine, which is basic and polar, at codon 1073 of the TTC21B protein (p.Glu1073Lys). This variant is not present in population databases (gnomAD no frequency). This variant has not been reported in the literature in individuals affected with TTC21B-related conditions. Algorithms developed to predict the effect of missense changes on protein structure and function are either unavailable or do not agree on the potential impact of this missense change (SIFT: "Deleterious"; PolyPhen-2: "Possibly Damaging"; Align-GVGD: "Class C15"). In summary, the available evidence is currently insufficient to determine the role of this variant in disease. Therefore, it has been classified as a Variant of Uncertain Significance.

NM_024753.5(TTC21B):c.3217G>A (p.Glu1073Lys)

Gene: TTC21B (tetratricopeptide repeat domain 21B; minus strand). Cytogenetic location: 2q24.3.
Variant type: single nucleotide variant.
Coding change: c.3217G>A on transcript NM_024753.5 (MANE Select); coding-DNA position 3217, G replaced by A.
Protein change: p.Glu1073Lys; replaces glutamic acid 1073 with lysine.
Molecular consequence: missense variant.
Genome position (GRCh38, 1-based): chr2:165,890,525, C>T on the plus strand (G>A on the coding strand, the complement: TTC21B is on the minus strand). VCF-style: chr2-165890525-C-T. GRCh37 (hg19) VCF-style: chr2-166747035-C-T.
Other names: c.3217G>A (NM_024753.4); short protein forms E1073K.
Identifiers: ClinVar variation 1987687 (VCV001987687.2), dbSNP rs1348279682, ClinGen allele CA349047929.
Genomic context (GRCh38, chr2:165,890,525, plus strand): 5'-GTCAAATAACTCACCCCAGGTCTCCATCCAGGTTTTCAAATACTTCACCTCCAACAGTTT[C>T]ATTATCTGGATTCAAACAGATCTCTATCATATTATAAAGGGCATTTTGGCCCCAGTCACG-3'
Protein context (NP_079029.3, residues 1063-1083): MIEICLNPDN[Glu1073Lys]TVGGEVFENL